The following is an entry in ClinVar:

NM_016239.4(MYO15A):c.6847G>A (p.Val2283Met)

Gene: MYO15A (myosin XVA; plus strand). Cytogenetic location: 17p11.2.
Variant type: single nucleotide variant.
Coding change: c.6847G>A on transcript NM_016239.4 (MANE Select); coding-DNA position 6847, G replaced by A.
Protein change: p.Val2283Met; replaces valine 2283 with methionine.
Molecular consequence: missense variant.
Genome position (GRCh38, 1-based): chr17:18,148,843, G>A. VCF-style: chr17-18148843-G-A. GRCh37 (hg19) VCF-style: chr17-18052157-G-A.
Other names: short protein forms V2283M.
Identifiers: ClinVar variation 1304001 (VCV001304001.3), dbSNP rs776576057, ClinGen allele CA8424684.
Genomic context (GRCh38, chr17:18,148,843, plus strand): 5'-GGCTGGACCGTGGCCATGAAGAATGGTGTCCAGTGGGCAGAGCTGGCTGGCCACGACTAC[G>A]TGTTAGACCTGGTGTCGGACCTGGAGCTGCTCAGGGACTTCCCTCGACAGAAGTCCTACT-3'
Protein context (NP_057323.3, residues 2273-2293): QWAELAGHDY[Val2283Met]LDLVSDLELL

ClinVar aggregate classification (germline): Uncertain significance. Review status: criteria provided, multiple submitters, no conflicts (2 of 4 stars). 2 submissions from 2 submitters: Uncertain significance (2). Last evaluated 2024-11-20.

Conditions:
MYO15A-related disorder. Also called: MYO15A-related condition.

Allele frequency attached by ClinVar (database versions not stated): gnomAD exomes 0.00003 and 0.00005; gnomAD 0.00005; TOPMed 0.00005; ExAC 0.00006.

Submissions (2):

PreventionGenetics, part of Exact Sciences
Classification: Uncertain significance for MYO15A-related condition. Last evaluated: 2024-11-20. Review status: criteria provided, single submitter. Criteria: ACMG Guidelines, 2015. Collection method: clinical testing. Allele origin: germline.
Comment: The MYO15A c.6847G>A variant is predicted to result in the amino acid substitution p.Val2283Met. To our knowledge, this variant has not been reported in the literature. This variant is reported in 0.0085% of alleles in individuals of European (Non-Finnish) descent in gnomAD. At this time, the clinical significance of this variant is uncertain due to the absence of conclusive functional and genetic evidence.

GeneDx
Classification: Uncertain significance. Last evaluated: 2020-03-03. Review status: criteria provided, single submitter. Criteria: GeneDx Variant Classification Process June 2021. Collection method: clinical testing. Allele origin: germline. Affected: yes.
Comment: In silico analysis supports that this missense variant has a deleterious effect on protein structure/function; Has not been previously published as pathogenic or benign to our knowledge